The following is an entry in ClinVar:

ClinVar aggregate classification (germline): Conflicting classifications of pathogenicity. Review status: criteria provided, conflicting classifications (1 of 4 stars). 3 submissions from 3 submitters: Uncertain significance (2); Likely benign (1). Last evaluated 2026-04-03.

Conditions:
Hereditary cancer-predisposing syndrome. Also called: Neoplastic Syndromes, Hereditary; Tumor predisposition; Hereditary neoplastic syndrome; Hereditary Cancer Syndrome. Identifiers: Orphanet 140162, MedGen C0027672, MeSH D009386, MONDO:0015356.
Ataxia-telangiectasia syndrome (AT). Also called: Ataxia telangiectasia (A-T); LOUIS-BAR SYNDROME; Cerebello-oculocutaneous telangiectasia; Immunodeficiency with ataxia telangiectasia; Ataxia-telangiectasia, complementation group E; Ataxia-telangiectasia, complementation group D. Identifiers: Orphanet 100, MedGen C0004135, MONDO:0008840, OMIM 208900.

gnomAD v4.1: 1 of 1,613,690 alleles (0.000062%); highest among the groups gnomAD compares: Non-Finnish European, 0.000085%; no homozygotes.

Submissions (3):

Ambry Genetics
Classification: Likely benign for Hereditary cancer-predisposing syndrome. Last evaluated: 2026-04-03. Review status: criteria provided, single submitter. Criteria: Ambry Variant Classification Scheme 2023. Collection method: clinical testing. Allele origin: germline.

Labcorp Genetics (formerly Invitae), Labcorp
Classification: Uncertain significance for Ataxia-telangiectasia syndrome. Last evaluated: 2024-11-21. Review status: criteria provided, single submitter. Criteria: Invitae Variant Classification Sherloc (09022015). Collection method: clinical testing. Allele origin: germline.
Comment: This sequence change replaces proline, which is neutral and non-polar, with histidine, which is basic and polar, at codon 537 of the ATM protein (p.Pro537His). This variant is not present in population databases (gnomAD no frequency). This variant has not been reported in the literature in individuals affected with ATM-related conditions. ClinVar contains an entry for this variant (Variation ID: 142434). An algorithm developed to predict the effect of missense changes on protein structure and function (PolyPhen-2) suggests that this variant is likely to be disruptive. Algorithms developed to predict the effect of sequence changes on RNA splicing suggest that this variant may disrupt the consensus splice site. In summary, the available evidence is currently insufficient to determine the role of this variant in disease. Therefore, it has been classified as a Variant of Uncertain Significance.

GeneDx
Classification: Uncertain significance. Last evaluated: 2021-12-28. Review status: criteria provided, single submitter. Criteria: GeneDx Variant Classification Process June 2021. Collection method: clinical testing. Allele origin: germline. Affected: yes.
Comment: Not observed at significant frequency in large population cohorts (Lek 2016); In silico analysis supports that this missense variant does not alter protein structure/function; Has not been previously published as pathogenic or benign to our knowledge

NM_000051.4(ATM):c.1610C>A (p.Pro537His)

Gene: ATM (ATM serine/threonine kinase; plus strand). Cytogenetic location: 11q22.3.
Variant type: single nucleotide variant.
Coding change: c.1610C>A on transcript NM_000051.4 (MANE Select); coding-DNA position 1610, C replaced by A.
Protein change: p.Pro537His; replaces proline 537 with histidine.
Molecular consequence: missense variant.
Genome position (GRCh38, 1-based): chr11:108,251,839, C>A. VCF-style: chr11-108251839-C-A. GRCh37 (hg19) VCF-style: chr11-108122566-C-A.
Other names: c.1610C>A, p.Pro537His (NM_001351834.2); short protein forms P537H.
Identifiers: ClinVar variation 142434 (VCV000142434.16), dbSNP rs587782463, ClinGen allele CA168348.